The following is an entry in ClinVar:

NM_001111.5(ADAR):c.1700C>G (p.Thr567Arg)

Gene: ADAR (adenosine deaminase RNA specific; minus strand). Cytogenetic location: 1q21.3.
Variant type: single nucleotide variant.
Coding change: c.1700C>G on transcript NM_001111.5 (MANE Select); coding-DNA position 1700, C replaced by G.
Protein change: p.Thr567Arg; replaces threonine 567 with arginine.
Molecular consequence: missense variant.
Genome position (GRCh38, 1-based): chr1:154,598,487, G>C on the plus strand (C>G on the coding strand, the complement: ADAR is on the minus strand). VCF-style: chr1-154598487-G-C. GRCh37 (hg19) VCF-style: chr1-154570963-G-C.
Other names: c.815C>G, p.Thr272Arg (NM_001025107.3, NM_001193495.2, NM_001365046.1 and 3 more transcripts); c.1727C>G, p.Thr576Arg (NM_001365045.1); c.1700C>G, p.Thr567Arg (NM_015840.4, NM_015841.4); short protein forms T567R, T576R, T272R.
Identifiers: ClinVar variation 2951627 (VCV002951627.3), dbSNP rs1205545887, ClinGen allele CA342639528.

ClinVar aggregate classification (germline): Uncertain significance (1 of 4 stars; one submission).

Conditions:
Symmetrical dyschromatosis of extremities (DSH). Also called: DYSCHROMATOSIS SYMMETRICA HEREDITARIA 1; RETICULATE ACROPIGMENTATION OF DOHI; SYMMETRIC DYSCHROMATOSIS OF THE EXTREMITIES; Dyschromatosis symmetrica hereditaria. Identifiers: Orphanet 41, MedGen C0406775, MONDO:0007483, OMIM 127400.
Aicardi-Goutieres syndrome 6 (AGS6). Identifiers: Orphanet 51, MedGen C3539013, MONDO:0014007, OMIM 615010.

Allele frequency attached by ClinVar (database versions not stated): gnomAD exomes below 0.00001.
gnomAD v4.1: 4 of 1,614,208 alleles (0.00025%); highest among the groups gnomAD compares: South Asian, 0.0033%; no homozygotes.

Submission:

Labcorp Genetics (formerly Invitae), Labcorp
Classification: Uncertain significance for Aicardi-Goutieres syndrome 6; Symmetrical dyschromatosis of extremities. Last evaluated: 2023-09-05. Review status: criteria provided, single submitter. Criteria: Invitae Variant Classification Sherloc (09022015). Collection method: clinical testing. Allele origin: germline.
Comment: Advanced modeling of protein sequence and biophysical properties (such as structural, functional, and spatial information, amino acid conservation, physicochemical variation, residue mobility, and thermodynamic stability) performed at Invitae indicates that this missense variant is not expected to disrupt ADAR protein function. This sequence change replaces threonine, which is neutral and polar, with arginine, which is basic and polar, at codon 567 of the ADAR protein (p.Thr567Arg). This variant is present in population databases (no rsID available, gnomAD 0.006%). This variant has not been reported in the literature in individuals affected with ADAR-related conditions. In summary, the available evidence is currently insufficient to determine the role of this variant in disease. Therefore, it has been classified as a Variant of Uncertain Significance.